The following is an entry in ClinVar:

ClinVar aggregate classification (germline): Conflicting classifications of pathogenicity. Review status: criteria provided, conflicting classifications (1 of 4 stars). 5 submissions from 5 submitters: Pathogenic (1); Likely pathogenic (3); Uncertain significance (1). Last evaluated 2026-01-07.

Conditions:
COL4A3-related disorder. Also called: COL4A3-Related Disorders; COL4A3-related condition.
Alport syndrome. Also called: Hemorrhagic familial nephritis; Hemorrhagic hereditary nephritis; Congenital hereditary hematuria. Identifiers: Orphanet 63, MedGen C1567741, MONDO:0018965.
Autosomal dominant Alport syndrome (ATS3A). Also called: Alport syndrome dominant type; Renal failure and sensorineural hearing loss; ALPORT SYNDROME 3A, AUTOSOMAL DOMINANT. Identifiers: Orphanet 63, Orphanet 88918, MedGen C5882663, MONDO:0007086, OMIM 104200.

Submissions (5):

PreventionGenetics, part of Exact Sciences
Classification: Likely pathogenic for COL4A3-related condition. Last evaluated: 2026-01-07. Review status: criteria provided, single submitter. Criteria: ACMG Guidelines, 2015. Collection method: clinical testing. Allele origin: germline.
Comment: The COL4A3 c.637G>A variant is predicted to result in the amino acid substitution p.Gly213Arg. This variant occurs at the conserved triple helical domain (residues 43-1438) of the COL4A3 protein, where substitutions of the glycine (Gly) residue are usually pathogenic (Hudson et al. 1993. PubMed ID: 8253711). To our knowledge, this variant has not been reported in the literature or in a large population database (gnomAD), indicating this variant is rare. However, a substitution of a glycine (Gly) in the same exon that this variant is located has been reported in an individual with autosomal dominant Alport syndrome (p.Gly207Glu in Gao et al. 2022. PubMed ID: 36685964). In addition, at other glycine (Gly) residues within this domain, substitutions of a glycine (Gly) with an arginine (Arg) have been widely reported to be pathogenic for autosomal dominant or recessive COL4A3-related Alport syndrome spectrum disorders (see for example, p.Gly801Arg in Xie et al. 2014. PubMed ID: 25596306, autosomal dominant; p.Gly818Arg in Connaughton et al. 2019. PubMed ID: 30773290, autosomal dominant; p.Gly640Arg in Storey et al. 2013. PubMed ID: 24052634, autosomal recessive). Therefore, the c.637G>A (p.Gly213Arg) variant is interpreted as likely pathogenic for both autosomal dominant and recessive COL4A3-related Alport syndrome spectrum disorders.

Natera, Inc.
Classification: Likely pathogenic for Alport syndrome. Last evaluated: 2025-08-19. Review status: criteria provided, single submitter. Criteria: Natera Variant Classification Schema (03/2026). Collection method: clinical testing. Allele origin: germline.
Comment: The c.637G>A variant in COL4A3 is a missense variant predicted to cause substitution of glycine to arginine at amino acid 213. This variant is rare in the general population with a frequency below the threshold expected for the associated phenotype(s). This variant is located in a functionally critical region of the protein. Computational prediction algorithms indicate this variant is likely to affect gene or protein function. Given the available evidence, this variant is classified as Likely Pathogenic.

Labcorp Genetics (formerly Invitae), Labcorp
Classification: Uncertain significance. Last evaluated: 2024-11-24. Review status: criteria provided, single submitter. Criteria: Invitae Variant Classification Sherloc (09022015). Collection method: clinical testing. Allele origin: germline.
Comment: This sequence change replaces glycine, which is neutral and non-polar, with arginine, which is basic and polar, at codon 213 of the COL4A3 protein (p.Gly213Arg). This variant is not present in population databases (gnomAD no frequency). This variant has not been reported in the literature in individuals affected with COL4A3-related conditions. ClinVar contains an entry for this variant (Variation ID: 447176). Invitae Evidence Modeling of protein sequence and biophysical properties (such as structural, functional, and spatial information, amino acid conservation, physicochemical variation, residue mobility, and thermodynamic stability) has been performed for this missense variant. However, the output from this modeling did not meet the statistical confidence thresholds required to predict the impact of this variant on COL4A3 protein function. In summary, the available evidence is currently insufficient to determine the role of this variant in disease. Therefore, it has been classified as a Variant of Uncertain Significance.

Molecular Genetics McLendon Clinical Laboratories, University of North Carolina at Chapel Hill
Classification: Likely pathogenic for Autosomal dominant Alport syndrome. Last evaluated: 2023-09-11. Review status: criteria provided, single submitter. Criteria: ACMG Guidelines, 2015. Collection method: clinical testing. Allele origin: germline.

Athena Diagnostics
Classification: Pathogenic. Last evaluated: 2016-08-19. Review status: criteria provided, single submitter. Criteria: Athena Diagnostics Criteria. Collection method: clinical testing. Allele origin: germline.

NM_000091.5(COL4A3):c.637G>A (p.Gly213Arg)

Genes: COL4A3 (collagen type IV alpha 3 chain; plus strand), MFF-DT (MFF divergent transcript; minus strand). Cytogenetic location: 2q36.3.
Variant type: single nucleotide variant.
Coding change: c.637G>A on transcript NM_000091.5 (MANE Select); coding-DNA position 637, G replaced by A.
Protein change: p.Gly213Arg; replaces glycine 213 with arginine.
Molecular consequence: missense variant.
Genome position (GRCh38, 1-based): chr2:227,251,363, G>A. VCF-style: chr2-227251363-G-A. GRCh37 (hg19) VCF-style: chr2-228116079-G-A.
Other names: c.637G>A (NM_000091.4); short protein forms G213R.
Identifiers: ClinVar variation 447176 (VCV000447176.6), dbSNP rs1553752192, ClinGen allele CA350864073.
Genomic context (GRCh38, chr2:227,251,363, plus strand): 5'-CCTGCTGTGATTTTCATTTGTGGATTTTTCTAGGGCTTTCCAGGAGCCATGGGACCTAGA[G>A]GACCTAAGGTAGACTACAGTTCATATGATGTAACAGCTAGCACACCCTACTCAATCTCAA-3'
Protein context (NP_000082.2, residues 203-223): FGFPGAMGPR[Gly213Arg]PKGHMGERVI